The following is an entry in ClinVar:

NM_020338.4(ZMIZ1):c.1298C>T (p.Ala433Val)

Gene: ZMIZ1 (zinc finger MIZ-type containing 1; plus strand). Cytogenetic location: 10q22.3.
Variant type: single nucleotide variant.
Coding change: c.1298C>T on transcript NM_020338.4 (MANE Select); coding-DNA position 1298, C replaced by T.
Protein change: p.Ala433Val; replaces alanine 433 with valine.
Molecular consequence: missense variant.
Genome position (GRCh38, 1-based): chr10:79,296,538, C>T. VCF-style: chr10-79296538-C-T. GRCh37 (hg19) VCF-style: chr10-81056295-C-T.
Other names: short protein forms A433V.
Identifiers: ClinVar variation 1804328 (VCV001804328.3), dbSNP rs747092841, ClinGen allele CA377335861.

ClinVar aggregate classification (germline): Uncertain significance. Review status: criteria provided, multiple submitters, no conflicts (2 of 4 stars). 2 submissions from 2 submitters: Uncertain significance (2). Last evaluated 2024-12-15.

gnomAD v4.1: 1 of 1,613,100 alleles (0.000062%); highest among the groups gnomAD compares: Admixed American, 0.0017%; no homozygotes.

Submissions (2):

Labcorp Genetics (formerly Invitae), Labcorp
Classification: Uncertain significance. Last evaluated: 2024-12-15. Review status: criteria provided, single submitter. Criteria: Invitae Variant Classification Sherloc (09022015). Collection method: clinical testing. Allele origin: germline.
Comment: This sequence change replaces alanine, which is neutral and non-polar, with valine, which is neutral and non-polar, at codon 433 of the ZMIZ1 protein (p.Ala433Val). This variant is not present in population databases (gnomAD no frequency). This variant has not been reported in the literature in individuals affected with ZMIZ1-related conditions. ClinVar contains an entry for this variant (Variation ID: 1804328). Invitae Evidence Modeling of protein sequence and biophysical properties (such as structural, functional, and spatial information, amino acid conservation, physicochemical variation, residue mobility, and thermodynamic stability) indicates that this missense variant is not expected to disrupt ZMIZ1 protein function with a negative predictive value of 95%. In summary, the available evidence is currently insufficient to determine the role of this variant in disease. Therefore, it has been classified as a Variant of Uncertain Significance.

GeneDx
Classification: Uncertain significance. Last evaluated: 2022-06-13. Review status: criteria provided, single submitter. Criteria: GeneDx Variant Classification Process June 2021. Collection method: clinical testing. Allele origin: germline. Affected: yes.
Comment: Not observed at significant frequency in large population cohorts (gnomAD); In silico analysis supports that this missense variant does not alter protein structure/function; Has not been previously published as pathogenic or benign to our knowledge